The following is an entry in ClinVar:

ClinVar aggregate classification (germline): Conflicting classifications of pathogenicity. Review status: criteria provided, conflicting classifications (1 of 4 stars). 4 submissions from 4 submitters: Uncertain significance (2); Likely benign (2). Last evaluated 2025-09-04.

Conditions:
Spastic paraplegia. Identifiers: MedGen C0037772, HP:0001258.
Hereditary spastic paraplegia. Also called: Familial spastic paraparesis. Identifiers: Orphanet 685, MedGen C0037773, MONDO:0019064. Disease mechanism: loss of function.

Allele frequency attached by ClinVar (database versions not stated): ExAC 0.00002; gnomAD exomes 0.00004 and 0.00009; TOPMed 0.00005; gnomAD 0.00007 and 0.00008; ESP Exome Variant Server 0.00015.
gnomAD v4.1: 147 of 1,614,068 alleles (0.0091%); highest among the groups gnomAD compares: Middle Eastern, 0.016%; no homozygotes.

Submissions (4):

Women's Health and Genetics/Laboratory Corporation of America, LabCorp
Classification: Uncertain significance. Last evaluated: 2025-09-04. Review status: criteria provided, single submitter. Criteria: LabCorp Variant Classification Summary - May 2015. Collection method: clinical testing. Allele origin: germline.
Comment: Variant summary: KIF5A c.1714C>T (p.Leu572Leu) alters a conserved nucleotide located close to a canonical splice site and therefore could affect mRNA splicing, leading to a significantly altered protein sequence. Consensus agreement among computation tools predict no significant impact on normal splicing. However, these predictions have yet to be confirmed by functional studies. The variant allele was found at a frequency of 3.6e-05 in 251474 control chromosomes (gnomAD). The available data on variant occurrences in the general population are insufficient to allow any conclusion about variant significance. To our knowledge, no occurrence of c.1714C>T in individuals affected with KIF5A-related conditions and no experimental evidence demonstrating its impact on protein function have been reported. ClinVar contains an entry for this variant (Variation ID: 1133702). Based on the evidence outlined above, the variant was classified as uncertain significance.

Labcorp Genetics (formerly Invitae), Labcorp
Classification: Likely benign for Spastic paraplegia. Last evaluated: 2025-04-27. Review status: criteria provided, single submitter. Criteria: Invitae Variant Classification Sherloc (09022015). Collection method: clinical testing. Allele origin: germline.

ARUP Laboratories, Molecular Genetics and Genomics, ARUP Laboratories
Classification: Uncertain significance. Last evaluated: 2024-12-06. Review status: criteria provided, single submitter. Criteria: ARUP Molecular Germline Variant Investigation Process 2024. Collection method: clinical testing. Allele origin: germline.
Comment: The KIF5A c.1714C>T; p.Leu572= variant (rs), to our knowledge, is not reported in the medical literature but is reported in ClinVar (Variation ID: 138475832). This variant is found in the general population with an overall allele frequency of 0.003% (10/282876 alleles) in the Genome Aggregation Database (v2.1.1). This is a synonymous variant and computational analyses (Alamut Visual Plus v.1.5.1) predict that this variant does not alter splicing. However, since this variant is located within the minimal splice region, the clinical significance of this variant is uncertain at this time. Due to limited information, the clinical significance of this variant is uncertain at this time.

Genome Diagnostics Laboratory, The Hospital for Sick Children
Classification: Likely benign for Hereditary spastic paraplegia. Last evaluated: 2016-12-12. Review status: criteria provided, single submitter. Criteria: ACMG Guidelines, 2015. Collection method: clinical testing. Allele origin: germline. Affected: yes.

NM_004984.4(KIF5A):c.1714C>T (p.Leu572=)

Gene: KIF5A (kinesin family member 5A; plus strand). Cytogenetic location: 12q13.3.
Variant type: single nucleotide variant.
Coding change: c.1714C>T on transcript NM_004984.4 (MANE Select); coding-DNA position 1714, C replaced by T.
Protein change: p.Leu572=; no amino-acid change (leucine 572 retained).
Molecular consequence: synonymous variant.
Genome position (GRCh38, 1-based): chr12:57,572,724, C>T. VCF-style: chr12-57572724-C-T. GRCh37 (hg19) VCF-style: chr12-57966507-C-T.
Other names: c.1447C>T, p.Leu483= (NM_001354705.2).
Identifiers: ClinVar variation 1133702 (VCV001133702.14), dbSNP rs138475832, ClinGen allele CA6652898.
Genomic context (GRCh38, chr12:57,572,724, plus strand): 5'-AACGGGCTGATGAAGGATCTGAGCGAGTTCAGTGTCATTGTGGGCAACGGGGAGATTAAG[C>T]TGGTGAGTGGTGAGAGACAGCAGCCTTGTTCAGGCTGGGCACTAGTGGAAGACGCAAGAT-3'
Protein context (NP_004975.2, residues 562-582): SVIVGNGEIK[Leu572=]PVEISGAIEE